The following is an entry in ClinVar:

ClinVar aggregate classification (germline): Likely benign. Review status: criteria provided, single submitter (1 of 4 stars). 2 submissions from 2 submitters: Likely benign (1). 1 of the submissions does not count toward it. Last evaluated 2021-05-10.

Conditions:
Cardiovascular phenotype. Identifiers: MedGen CN230736.
TNXB-related disorder. Also called: TNXB-related condition.

Allele frequency attached by ClinVar (database versions not stated): ExAC 0.00002; ESP Exome Variant Server 0.00008.
gnomAD v4.1: 11 of 1,512,782 alleles (0.00073%); highest among the groups gnomAD compares: South Asian, 0.0039%; no homozygotes.

Submissions (2):

Ambry Genetics
Classification: Likely benign for Cardiovascular phenotype. Last evaluated: 2021-05-10. Review status: criteria provided, single submitter. Criteria: Ambry Variant Classification Scheme 2023. Collection method: clinical testing. Allele origin: germline.

PreventionGenetics, part of Exact Sciences
Classification: Likely benign for TNXB-related condition. Last evaluated: 2021-11-03. Review status: no assertion criteria provided. Collection method: clinical testing. Allele origin: germline. Not counted in ClinVar's aggregate classification.
Comment: This variant is classified as likely benign based on ACMG/AMP sequence variant interpretation guidelines (Richards et al. 2015 PMID: 25741868, with internal and published modifications).

NM_001365276.2(TNXB):c.9813G>A (p.Ala3271=)

Gene: TNXB (tenascin XB; minus strand). Cytogenetic location: 6p21.33.
Variant type: single nucleotide variant.
Coding change: c.9813G>A on transcript NM_001365276.2 (MANE Select); coding-DNA position 9813, G replaced by A.
Protein change: p.Ala3271=; no amino-acid change (alanine 3271 retained).
Molecular consequence: synonymous variant.
Genome position (GRCh38, 1-based): chr6:32,048,595, C>T on the plus strand (G>A on the coding strand, the complement: TNXB is on the minus strand). VCF-style: chr6-32048595-C-T. GRCh37 (hg19) VCF-style: chr6-32016372-C-T.
Other names: c.9807G>A, p.Ala3269= (NM_019105.8).
Identifiers: ClinVar variation 1768270 (VCV001768270.4), dbSNP rs369956569, ClinGen allele CA3733383.